The following is an entry in ClinVar:

NM_032588.4(TRIM63):c.115T>G (p.Cys39Gly)

Gene: TRIM63 (tripartite motif containing 63; minus strand). Cytogenetic location: 1p36.11.
Variant type: single nucleotide variant.
Coding change: c.115T>G on transcript NM_032588.4 (MANE Select); coding-DNA position 115, T replaced by G.
Protein change: p.Cys39Gly; replaces cysteine 39 with glycine.
Molecular consequence: missense variant.
Genome position (GRCh38, 1-based): chr1:26,067,380, A>C on the plus strand (T>G on the coding strand, the complement: TRIM63 is on the minus strand). VCF-style: chr1-26067380-A-C. GRCh37 (hg19) VCF-style: chr1-26393871-A-C.
Other names: short protein forms C39G.
Identifiers: ClinVar variation 1177529 (VCV001177529.2), dbSNP rs2124444993, ClinGen allele CA339112889.

ClinVar aggregate classification (germline): Uncertain significance (1 of 4 stars; one submission).

Conditions:
Hypertrophic cardiomyopathy. Also called: HYPERTROPHIC MYOCARDIOPATHY. Identifiers: Orphanet 217569, MedGen C0007194, MeSH D002312, MONDO:0005045, HP:0001639.

Submission:

Institute Of Molecular Biology And Genetics, Federal Almazov National Medical Research Centre
Classification: Uncertain significance for Hypertrophic cardiomyopathy. Last evaluated: 2021-07-07. Review status: criteria provided, single submitter. Criteria: ACMG Guidelines, 2015. Collection method: clinical testing. Allele origin: germline. Affected: yes. Observed: 1 variant allele.
Comment: ACMG: PM2, PP3, BP1